The following is an entry in ClinVar:

NM_000038.6(APC):c.1312+3A>G

Gene: APC (APC regulator of Wnt signaling pathway; plus strand). Cytogenetic location: 5q22.2.
Variant type: single nucleotide variant.
Coding change: c.1312+3A>G on transcript NM_000038.6 (MANE Select); 3 bases into the intron after coding-DNA position 1312, A replaced by G.
Molecular consequence: intron variant.
Genome position (GRCh38, 1-based): chr5:112,819,347, A>G. VCF-style: chr5-112819347-A-G. GRCh37 (hg19) VCF-style: chr5-112155044-A-G.
Other names: c.1312+3A>G (NM_001354895.2, NM_001127510.3, NM_001354896.2); c.1342+3A>G (NM_001354897.2); c.1039+3A>G (NM_001354902.2); c.1258+3A>G (NM_001127511.3); c.1237+3A>G (NM_001354898.2); c.934+3A>G (NM_001354904.2); c.463+3A>G (NM_001354906.2); c.1009+3A>G (NM_001354903.2); and 3 more.
Identifiers: ClinVar variation 217924 (VCV000217924.40), dbSNP rs863225311, ClinGen allele CA279764.

ClinVar aggregate classification (germline): Pathogenic. Review status: reviewed by expert panel (3 of 4 stars). 19 submissions from 19 submitters: Pathogenic (1). 18 of the submissions do not count toward it. Last evaluated 2025-05-15.

Conditions:
Classic or attenuated familial adenomatous polyposis. Identifiers: MedGen CN372698, MONDO:0021057.
Familial adenomatous polyposis 1 (FAP1). Also called: POLYPOSIS, ADENOMATOUS INTESTINAL; FAMILIAL ADENOMATOUS POLYPOSIS 1, ATTENUATED. Identifiers: MedGen C2713442, MONDO:0021056, OMIM 175100. Disease mechanism: loss of function.
Neoplasm of stomach. Also called: Neoplasm of the stomach; Gastric neoplasm; Stomach Neoplasms. Identifiers: MedGen C0038356, MONDO:0021085, HP:0006753. Disease mechanism: gain of function. Inheritance: Somatic mutation.
Desmoid disease, hereditary (DESMD). Also called: FIBROMATOSIS, FAMILIAL INFILTRATIVE. Identifiers: Orphanet 873, MedGen C1851124, OMIM 135290. Disease mechanism: loss of function.
Hepatocellular carcinoma (HCC). Also called: Primary carcinoma of liver; HEPATOMA; LIVER CELL CARCINOMA. Identifiers: Orphanet 88673, MedGen C2239176, MONDO:0007256, OMIM 114550, HP:0001402.
Carcinoma of colon (CRC). Also called: Colonic carcinoma; Colon carcinoma. Identifiers: MedGen C0699790, MONDO:0002032.
Familial multiple polyposis syndrome (FAP). Also called: Familial polyposis; Familial adenomatous polyposis; Familial intestinal polyposis; Classic familial adenomatous polyposis; Familial Adenomatous Polyposis (FAP). Identifiers: Orphanet 733, MedGen C0032580, MONDO:0021055. Disease mechanism: loss of function.
APC-related disorder. Also called: APC-related condition.
Hereditary cancer-predisposing syndrome. Also called: Neoplastic Syndromes, Hereditary; Tumor predisposition; Hereditary Cancer Syndrome; Hereditary neoplastic syndrome. Identifiers: Orphanet 140162, MedGen C0027672, MeSH D009386, MONDO:0015356.

Submissions 1 to 6 of 19:

ClinGen InSiGHT Hereditary Colorectal Cancer/Polyposis Variant Curation Expert Panel
Classification: Pathogenic for Familial adenomatous polyposis 1. Last evaluated: 2025-05-15. Review status: reviewed by expert panel. Criteria: ClinGen InSiGHT HCCP VCEP ACMG Specifications APC V1. Collection method: curation. Allele origin: germline. Inheritance: Autosomal dominant inheritance.
Comment: The NM_000038.6(APC):c.1312+3A>G variant in APC is an intronic variant which is located at the 3rd nucleotide in intron 10. This variant has been reported in more than 16 cases meeting phenotypic criteria resulting in a total phenotype score of 16 points (internal data Labcorp Genetics [formerly Invitae], Peter MacCallum Cancer Centre, Victoria, Australia, GeneDx, Ambry; PMID: 8381580, 15459959, 20223039, 17489848, 19793053, 20685668) (PS4_Very Strong). This variant has been identified as a de novo occurrence with confirmed parental relationships in one individual with FAP, resulting in a total de novo score of 1 (PS2_Moderate, Ambry internal data). This variant is absent from gnomAD v2.1.1 (PM2_Supporting). RNA studies demonstrated that the variant impacts splicing by causing exon 10 skipping (PMID: 15459959, Ambry internal data) (PS3_Moderate). In summary, this variant meets the criteria to be classified as Pathogenic for autosomal-dominant inherited FAP based on the ACMG/AMP criteria applied, as specified by the ClinGen InSiGHT Hereditary Colorectal Cancer/Polyposis VCEP: criteria PS4_Very Strong, PS2_Moderate, PM2_Supporting, PS3_Moderate applied (VCEP specifications version v2.1.0; date of approval 11/24/2023).

Labcorp Genetics (formerly Invitae), Labcorp
Classification: Pathogenic for Familial adenomatous polyposis 1. Last evaluated: 2025-10-01. Review status: criteria provided, single submitter. Criteria: Invitae Variant Classification Sherloc (09022015). Collection method: clinical testing. Allele origin: germline. Not counted in ClinVar's aggregate classification.
Comment: This sequence change falls in intron 10 of the APC gene. It does not directly change the encoded amino acid sequence of the APC protein. RNA analysis indicates that this variant induces altered splicing and may result in an absent or altered protein product. This variant is not present in population databases (gnomAD no frequency). This variant has been observed in individuals with familial adenomatous polyposis (FAP) (PMID: 8381580, 15459959, 20685668, 23159591, 24599579; internal data). ClinVar contains an entry for this variant (Variation ID: 217924). Variants that disrupt the consensus splice site are a relatively common cause of aberrant splicing (PMID: 17576681, 9536098). Studies have shown that this variant results in skipping of exon 10 (also known as exon 9) , and produces a non-functional protein and/or introduces a premature termination codon (PMID: 15459959; internal data). For these reasons, this variant has been classified as Pathogenic.

Ambry Genetics
Classification: Pathogenic for Hereditary cancer-predisposing syndrome. Last evaluated: 2025-09-09. Review status: criteria provided, single submitter. Criteria: Ambry Variant Classification Scheme 2023. Collection method: clinical testing. Allele origin: germline. Not counted in ClinVar's aggregate classification.
Comment: The c.1312+3A>G intronic pathogenic mutation results from an A to G substitution 3 nucleotides after coding exon 9 in the APC gene. This alteration has been reported in numerous French, Dutch and Portuguese familial adenomatous polyposis (FAP) families (Aretz S, et al. Hum. Mutat. 2004 Nov; 24(5):370-80; Lagarde A, et al. J. Med. Genet. 2010 Oct; 47(10):721-2; Nielsen M, et al. Clin. Genet. 2007 May; 71(5):427-33; Filipe B, et al. Clin. Genet. 2009 Sep; 76(3):242-55; Ambry internal data). RNA analysis has shown that this alteration leads to exon 9 skipping (Ambry internal data; Aretz S et al. Hum Mutat. 2004 Nov;24(5):370-80). This nucleotide position is well conserved in available vertebrate species. In silico splice site analysis predicts that this alteration will weaken the native splice donor site. Based on the supporting evidence, this variant is interpreted as a disease-causing mutation.

Blueprint Genetics
Classification: Pathogenic for APC-related disorders. Last evaluated: 2024-11-12. Review status: criteria provided, single submitter. Criteria: ACMG Guidelines, 2015. Collection method: clinical testing. Allele origin: germline. Affected: yes. Observed: 1 variant allele. Not counted in ClinVar's aggregate classification.

All of Us Research Program, National Institutes of Health
Classification: Pathogenic for Classic or attenuated familial adenomatous polyposis. Last evaluated: 2024-02-05. Review status: criteria provided, single submitter. Criteria: ACMG Guidelines, 2015. Collection method: clinical testing. Allele origin: germline. Inheritance: Autosomal dominant inheritance. Observed: 1 variant allele, 1 heterozygote. Not counted in ClinVar's aggregate classification.
Comment: This variant causes an A to G nucleotide substitution at the +3 position of intron 10 of the APC gene. Functional RNA studies have shown that this variant causes a partial out-of-frame skipping of exon 9, creating a frameshift and premature translation stop signal and expected to result in an absent or non-functional protein product (PMID: 15459959, 20223039, 22431159). This variant has been reported in at least ten individuals affected with familial adenomatous polyposis or attenuated form of familial adenomatous polyposis (PMID: 8381580, 15459959, 20223039, 17489848, 19793053, 20685668, 22431159, 23159591, 28051113; ClinVar: SCV000579815.5, SCV000261158.10, SCV004019979.1) and was shown to segregate with the disease in multiple families (ClinVar: SCV004019979.1). This variant has not been identified in the general population by the Genome Aggregation Database (gnomAD). Loss of APC function is a known mechanism of disease. Based on the available evidence, this variant is classified as Pathogenic.

This study involves interpretation of variants in research participants for the purpose of population health screening. Participant phenotype was not available at the time of variant classification. Additional details can be found in publication PMID: 35346344, PMCID: PMC8962531

Women's Health and Genetics/Laboratory Corporation of America, LabCorp
Classification: Pathogenic for Familial multiple polyposis syndrome. Last evaluated: 2024-01-22. Review status: criteria provided, single submitter. Criteria: LabCorp Variant Classification Summary - May 2015. Collection method: clinical testing. Allele origin: germline. Not counted in ClinVar's aggregate classification.
Comment: Variant summary: APC c.1312+3A>G alters a conserved nucleotide located close to a canonical splice site and therefore could affect mRNA splicing, leading to a significantly altered protein sequence. Several computational tools predict a significant impact on normal splicing: Two predict the variant abolishes a canonical 5' splicing donor site. Two predict the variant weakens a canonical 5' donor site. At least one publication reports experimental evidence that this variant leads to skipping of exon 9 (Aretz_2004). The variant was absent in 250694 control chromosomes (gnomAD). c.1312+3A>G has been reported in the literature in multiple individuals affected with Familial Adenomatous Polyposis (examples: Aretz_2004, Filipe_2009, Lee_2022). These data indicate that the variant is very likely to be associated with disease. The following publications have been ascertained in the context of this evaluation (PMID: 15459959, 35189564, 19793053). ClinVar contains an entry for this variant (Variation ID: 217924). Based on the evidence outlined above, the variant was classified as pathogenic.